The following is an entry in ClinVar:

ClinVar aggregate classification (germline): Likely pathogenic. Review status: criteria provided, multiple submitters, no conflicts (2 of 4 stars). 2 submissions from 2 submitters: Likely pathogenic (2). Last evaluated 2025-02-21.

Conditions:
L1CAM-related disorder. Also called: L1CAM-related condition.
L1 syndrome. Identifiers: Orphanet 275543, MedGen C5779710, MONDO:0017140.

Submissions (2):

PreventionGenetics, part of Exact Sciences
Classification: Likely pathogenic for L1CAM-related condition. Last evaluated: 2025-02-21. Review status: criteria provided, single submitter. Criteria: ACMG Guidelines, 2015. Collection method: clinical testing. Allele origin: germline.
Comment: The L1CAM c.2269C>T variant is predicted to result in premature protein termination (p.Gln757*). To our knowledge, this variant has not been reported in the literature or in a large population database (gnomAD), indicating this variant is rare. Nonsense variants in L1CAM are expected to be pathogenic. This variant is interpreted as likely pathogenic.

Women's Health and Genetics/Laboratory Corporation of America, LabCorp
Classification: Likely pathogenic for L1 syndrome. Last evaluated: 2022-08-31. Review status: criteria provided, single submitter. Criteria: LabCorp Variant Classification Summary - May 2015. Collection method: clinical testing. Allele origin: germline.
Comment: Variant summary: L1CAM c.2269C>T (p.Gln757X) results in a premature termination codon, predicted to cause a truncation of the encoded protein or absence of the protein due to nonsense mediated decay, which are commonly known mechanisms for disease. Truncations downstream of this position have been classified as pathogenic by our laboratory. The variant was absent in 182733 control chromosomes (gnomAD). To our knowledge, no occurrence of c.2269C>T in individuals affected with L1 Syndrome and no experimental evidence demonstrating its impact on protein function have been reported. No clinical diagnostic laboratories have submitted clinical-significance assessments for this variant to ClinVar after 2014. Based on the evidence outlined above, the variant was classified as likely pathogenic.

NM_001278116.2(L1CAM):c.2269C>T (p.Gln757Ter)

Gene: L1CAM (L1 cell adhesion molecule; minus strand). Cytogenetic location: Xq28.
Variant type: single nucleotide variant.
Coding change: c.2269C>T on transcript NM_001278116.2 (MANE Select); coding-DNA position 2269, C replaced by T.
Protein change: p.Gln757Ter; replaces glutamine 757 with a stop codon.
Molecular consequence: nonsense.
Genome position (GRCh38, 1-based): chrX:153,866,811, G>A on the plus strand (C>T on the coding strand, the complement: L1CAM is on the minus strand). VCF-style: chrX-153866811-G-A. GRCh37 (hg19) VCF-style: chrX-153132266-G-A.
Other names: c.2269C>T, p.Gln757Ter (NM_000425.5, NM_024003.3); c.2254C>T, p.Gln752Ter (NM_001143963.2); short protein forms Q752*, Q757*.
Identifiers: ClinVar variation 1705249 (VCV001705249.2), dbSNP rs2520985599, ClinGen allele CA415120585.